The following is an entry in ClinVar:

ClinVar aggregate classification (germline): Conflicting classifications of pathogenicity. Review status: criteria provided, conflicting classifications (1 of 4 stars). 2 submissions from 2 submitters: Uncertain significance (1); Likely benign (1). Last evaluated 2025-12-03.

Conditions:
Familial meningioma. Also called: Meningioma, familial, susceptibility to. Identifiers: Orphanet 263662, MedGen C3551915, MONDO:0011789, OMIM 607174.
Hereditary cancer-predisposing syndrome. Also called: Hereditary Cancer Syndrome; Tumor predisposition; Hereditary neoplastic syndrome; Neoplastic Syndromes, Hereditary. Identifiers: Orphanet 140162, MedGen C0027672, MeSH D009386, MONDO:0015356.

Allele frequency attached by ClinVar (database versions not stated): gnomAD exomes below 0.00001.
gnomAD v4.1: 1 of 1,614,006 alleles (0.000062%); highest among the groups gnomAD compares: East Asian, 0.0022%; no homozygotes.

Submissions (2):

Labcorp Genetics (formerly Invitae), Labcorp
Classification: Uncertain significance for Familial meningioma. Last evaluated: 2025-12-03. Review status: criteria provided, single submitter. Criteria: Invitae Variant Classification Sherloc (09022015). Collection method: clinical testing. Allele origin: germline.
Comment: This sequence change replaces lysine, which is basic and polar, with glutamic acid, which is acidic and polar, at codon 305 of the SMARCE1 protein (p.Lys305Glu). This variant is not present in population databases (gnomAD no frequency). This variant has not been reported in the literature in individuals affected with SMARCE1-related conditions. ClinVar contains an entry for this variant (Variation ID: 1414560). Invitae Evidence Modeling of protein sequence and biophysical properties (such as structural, functional, and spatial information, amino acid conservation, physicochemical variation, residue mobility, and thermodynamic stability) indicates that this missense variant is not expected to disrupt SMARCE1 protein function with a negative predictive value of 80%. In summary, the available evidence is currently insufficient to determine the role of this variant in disease. Therefore, it has been classified as a Variant of Uncertain Significance.

Ambry Genetics
Classification: Likely benign for Hereditary cancer-predisposing syndrome. Last evaluated: 2024-05-02. Review status: criteria provided, single submitter. Criteria: Ambry Variant Classification Scheme 2023. Collection method: clinical testing. Allele origin: germline.

NM_003079.5(SMARCE1):c.913A>G (p.Lys305Glu)

Gene: SMARCE1 (SWI/SNF related BAF chromatin remodeling complex subunit E1; minus strand). Cytogenetic location: 17q21.2.
Variant type: single nucleotide variant.
Coding change: c.913A>G on transcript NM_003079.5 (MANE Select); coding-DNA position 913, A replaced by G.
Protein change: p.Lys305Glu; replaces lysine 305 with glutamic acid.
Molecular consequence: missense variant.
Genome position (GRCh38, 1-based): chr17:40,630,828, T>C on the plus strand (A>G on the coding strand, the complement: SMARCE1 is on the minus strand). VCF-style: chr17-40630828-T-C. GRCh37 (hg19) VCF-style: chr17-38787080-T-C.
Other names: c.913A>G (NM_003079.4); short protein forms K305E.
Identifiers: ClinVar variation 1414560 (VCV001414560.9), dbSNP rs2143984936, ClinGen allele CA399363679.